The following is an entry in ClinVar:

NM_001009944.3(PKD1):c.9416G>T (p.Gly3139Val)

Gene: PKD1 (polycystin 1, transient receptor potential channel interacting; minus strand). Cytogenetic location: 16p13.3.
Variant type: single nucleotide variant.
Coding change: c.9416G>T on transcript NM_001009944.3 (MANE Select); coding-DNA position 9416, G replaced by T.
Protein change: p.Gly3139Val; replaces glycine 3139 with valine.
Molecular consequence: missense variant.
Genome position (GRCh38, 1-based): chr16:2,100,548, C>A on the plus strand (G>T on the coding strand, the complement: PKD1 is on the minus strand). VCF-style: chr16-2100548-C-A. GRCh37 (hg19) VCF-style: chr16-2150549-C-A.
Other names: c.9416G>T, p.Gly3139Val (NM_000296.4); short protein forms G3139V.
Identifiers: ClinVar variation 4818939 (VCV004818939.1).

ClinVar aggregate classification (germline): Uncertain significance (1 of 4 stars; one submission).

Conditions:
Polycystic kidney disease, adult type (PKD1). Also called: Polycystic Kidney Disease 1, Autosomal Dominant; Polycystic kidney disease 1; Polycystic kidney disease 1, severe; Polycystic Kidney, Autosomal Dominant; POLYCYSTIC KIDNEY DISEASE, ADULT, TYPE I; POLYCYSTIC KIDNEY DISEASE 1 WITH OR WITHOUT POLYCYSTIC LIVER DISEASE. Identifiers: MedGen C3149841, MONDO:0008263, OMIM 173900.

Submission:

Victorian Clinical Genetics Services, Murdoch Childrens Research Institute
Classification: Uncertain significance for Polycystic kidney disease, adult type. Last evaluated: 2026-02-05. Review status: criteria provided, single submitter. Criteria: ACMG Guidelines, 2015. Collection method: clinical testing. Allele origin: germline. Affected: yes.
Comment: This variant is classified as VUS-3A. Evidence in support of pathogenic classification: Variant is absent from gnomAD (v2, v3 and v4); Other missense variant(s) comparable to the one identified in this case have moderate previous evidence for pathogenicity. p.(Gly3139Asp) has been classified as a VUS by a clinical laboratory in ClinVar, and has been reported in the literature in a PKD cohort as likely pathogenic (PMID: 27499327). p.(Gly3139Ser) has been classified as likely pathogenic and a VUS by clinical laboratories in ClinVar; Missense variant predicted to be damaging by in silico tool(s) or highly conserved with a major amino acid change. Additional information: Variant is predicted to result in a missense amino acid change from Gly to Val; This variant is heterozygous; This gene is associated with autosomal dominant disease. Polycystic kidney disease 1 (MIM#173900) is predominantly caused by monoallelic variants, with rare reports of biallelic variants causing disease (OMIM); Alternative amino acid change(s) at the same position are present in gnomAD (highest allele count: v4: 2 heterozygote(s), 0 homozygote(s)); Previous evidence of pathogenicity for this variant is inconclusive. This variant has been reported in the literature as a polymorphism with unclear evidence (PMID: 10854095) and in a PKD cohort (PMID: 26823553); No published evidence of segregation with disease has been identified for this variant; No published functional evidence has been identified for this variant; Variant is located in the annotated PLAT/LH2 domain (DECIPHER); Loss of function is a known mechanism of disease in this gene and is associated with polycystic kidney disease 1 (MIM#173900). - Inheritance information for this variant is not currently available in this individual.

Literature cited by the submitters: PubMed 27499327; PubMed 26823553; PubMed 10854095.